The following is an entry in ClinVar:

ClinVar aggregate classification (germline): Uncertain significance. Review status: criteria provided, multiple submitters, no conflicts (2 of 4 stars). 2 submissions from 2 submitters: Uncertain significance (2). Last evaluated 2023-12-07.

Conditions:
Atrial septal defect 5 (ASD5). Identifiers: Orphanet 1478, MedGen C2748552, MONDO:0013011, OMIM 612794.
Hypertrophic cardiomyopathy 11. Also called: ACTC1-Related Familial Hypertrophic Cardiomyopathy. Identifiers: MedGen C2677506, MONDO:0012799, OMIM 612098.
Dilated cardiomyopathy 1R (CMD1R). Identifiers: Orphanet 154, Orphanet 54260, MedGen C3150681, MONDO:0013261, OMIM 613424.

Submissions (2):

GeneDx
Classification: Uncertain significance. Last evaluated: 2023-12-07. Review status: criteria provided, single submitter. Criteria: GeneDx Variant Classification Process June 2021. Collection method: clinical testing. Allele origin: germline. Affected: yes.
Comment: Has not been previously published as pathogenic or benign to our knowledge; Not observed at significant frequency in large population cohorts (gnomAD); In silico analysis supports that this missense variant has a deleterious effect on protein structure/function

Labcorp Genetics (formerly Invitae), Labcorp
Classification: Uncertain significance for Dilated cardiomyopathy 1R; Hypertrophic cardiomyopathy 11; Atrial septal defect 5. Last evaluated: 2022-02-20. Review status: criteria provided, single submitter. Criteria: Invitae Variant Classification Sherloc (09022015). Collection method: clinical testing. Allele origin: germline.
Comment: This variant is not present in population databases (gnomAD no frequency). This sequence change replaces serine, which is neutral and polar, with proline, which is neutral and non-polar, at codon 201 of the ACTC1 protein (p.Ser201Pro). This variant has not been reported in the literature in individuals affected with ACTC1-related conditions. In summary, the available evidence is currently insufficient to determine the role of this variant in disease. Therefore, it has been classified as a Variant of Uncertain Significance. Algorithms developed to predict the effect of missense changes on protein structure and function are either unavailable or do not agree on the potential impact of this missense change (SIFT: "Deleterious"; PolyPhen-2: "Benign"; Align-GVGD: "Class C65"). ClinVar contains an entry for this variant (Variation ID: 1314000).

NM_005159.5(ACTC1):c.601T>C (p.Ser201Pro)

Genes: ACTC1 (actin alpha cardiac muscle 1; minus strand), GJD2-DT (GJD2 divergent transcript; plus strand). Cytogenetic location: 15q14.
Variant type: single nucleotide variant.
Coding change: c.601T>C on transcript NM_005159.5 (MANE Select); coding-DNA position 601, T replaced by C.
Protein change: p.Ser201Pro; replaces serine 201 with proline.
Molecular consequence: missense variant.
Genome position (GRCh38, 1-based): chr15:34,792,423, A>G on the plus strand (T>C on the coding strand, the complement: ACTC1 is on the minus strand). VCF-style: chr15-34792423-A-G. GRCh37 (hg19) VCF-style: chr15-35084624-A-G.
Other names: short protein forms S201P.
Identifiers: ClinVar variation 1314000 (VCV001314000.7), dbSNP rs2140430853, ClinGen allele CA391630874.